The following is an entry in ClinVar:

NC_012920.1(MT-ND1):m.3890G>A

Gene: MT-ND1 (mitochondrially encoded NADH dehydrogenase 1; plus strand).
Variant type: single nucleotide variant.
Genome position: chrM-3890-G-A.
Identifiers: ClinVar variation 155881 (VCV000155881.8), dbSNP rs587776434, ClinGen allele CA345911.

ClinVar aggregate classification (germline): Likely pathogenic. Review status: reviewed by expert panel (3 of 4 stars). 4 submissions from 4 submitters: Likely pathogenic (1). 3 of the submissions do not count toward it. Last evaluated 2022-06-30.

Conditions:
Primary Mitochondrial Disorders. Identifiers: MedGen CN381104.
Mitochondrial disease. Also called: Mitochondrial disorder; Mitochondrial disorders. Identifiers: Orphanet 68380, MedGen C0751651, MeSH D028361, MONDO:0044970.
Leigh syndrome (NULS). Also called: Leigh's necrotizing encephalopathy; Leigh's disease; Leigh Disease; Subacute necrotizing encephalopathy; Necrotizing encephalopathy infantile subacute of Leigh; LEIGH SYNDROME, NUCLEAR. Identifiers: Orphanet 506, MedGen C2931891, MONDO:0009723, OMIM 256000.

Submissions (4):

ClinGen Mitochondrial Disease Nuclear and Mitochondrial  Variant Curation Expert Panel, ClinGen
Classification: Likely pathogenic for Mitochondrial disease. Last evaluated: 2022-06-30. Review status: reviewed by expert panel. Criteria: clingen mito disease acmg specifications v1-1. Collection method: curation. Allele origin: germline. Inheritance: Mitochondrial inheritance.
Comment: The m.3890G>A (p.R195Q) variant in MT-ND1 has been reported in at least nine individuals from nine families in the literature, who had features falling within the Leber Hereditary Optic Neuropathy (LHON) or Leigh syndrome spectrums (PS4_moderate; PMIDs: 34390870, 33337510, 27798429, 18504678, 30095618, 23246842, 23847141). There are no reports of de novo occurrence of this variant to our knowledge. Although this variant most often is seen in the homoplasmic state, in one multi-generational family, there were five unaffected relatives with low heteroplasmy levels in urine and blood, compared to much higher levels in the proband (PP1_moderate; PMID 2324842). This variant is absent in population databases after removing sequences from individuals with mitochondrial disease (one occurrence in GenBank sequences is from individual with mitochondrial disease – PMID: 23246842; variant absent in gnomAD v3.1.2 and Helix dataset; PM2_supporting). The computational predictor APOGEE gives a consensus rating of pathogenic with a score of 0.73 (Min=0, Max=1), which predicts a damaging effect on gene function (PP3). Cybrid studies showed that the homoplasmic mutant clones had statistically significant decreases in Complex I and ATP synthesis activities (PS3_supporting, PMID: 23246842). In summary, this variant meets criteria to be classified as likely pathogenic for primary mitochondrial disease inherited in a mitochondrial manner. This classification was approved by the NICHD/NINDS U24 Mitochondrial Disease Variant Curation Expert Panel on March 28, 2022. Mitochondrial DNA-specific ACMG/AMP criteria applied (PMID: 32906214): PP1_moderate, PS4_moderate, PP3, PM2_supporting, PS3_supporting.

Variantyx, Inc.
Classification: Likely pathogenic for Primary mitochondrial disorders. Last evaluated: 2025-05-25. Review status: criteria provided, single submitter. Criteria: Variantyx Assertion Criteria 2022. Collection method: clinical testing. Allele origin: germline. Not counted in ClinVar's aggregate classification.
Comment: The m.3890G>A, c.584G>A, p.Arg195Gln change is a nonsynonymous single nucleotide variant in the MT-ND1 gene. Pathogenic variants in this gene have been associated with primary mitochondrial disorders. This variant has been reported in at least 4 unrelated affected individual(s) (PMID: 18504678, 2324684, 34390870, 27798429) (PS4_Moderate). Functional studies support a deleterious effect for this variant (PMID: 23246842) (PS3) and computational algorithms support a deleterious effect on the gene or gene product (Aggregate Predicted Severity Score: 0.36) (PP3). This variant is absent from control populations (PM2). Other reputable laboratories have reported this variant as pathogenic or likely pathogenic, and this classification has been validated by an expert panel in ClinVar (PP5). Based on the current evidence, this variant is classified as likely pathogenic for primary mitochondrial disorders.

Institute for Medical Genetics and Human Genetics, Charité - Universitätsmedizin Berlin
Classification: Pathogenic. Last evaluated: 2022-09-22. Review status: criteria provided, single submitter. Criteria: ACMG Guidelines, 2015. Collection method: clinical testing. Allele origin: germline. Inheritance: Mitochondrial inheritance. Affected: yes. Observed: 1 heterozygote. Not counted in ClinVar's aggregate classification.

GeneReviews
No classification provided. Condition: Leigh syndrome. Review status: no classification provided. Collection method: literature only. Allele origin: germline. Not counted in ClinVar's aggregate classification.

Literature cited by the submitters: PubMed 23246842 (cited by ClinGen Mitochondrial Disease Nuclear and Mitochondrial  Variant Curation Expert Panel, ClinGen); NCBI Bookshelf NBK1173 (cited by GeneReviews).